The following is an entry in ClinVar:

ClinVar aggregate classification (germline): Conflicting classifications of pathogenicity. Review status: criteria provided, conflicting classifications (1 of 4 stars). 5 submissions from 5 submitters: Uncertain significance (1); Benign (2); Likely benign (2). Last evaluated 2026-05-01.

Conditions:
Inborn genetic diseases. Identifiers: MedGen C0950123, MeSH D030342.

Allele frequency attached by ClinVar (database versions not stated): gnomAD exomes 0.00025 and 0.00048; ExAC 0.00063; 1000 Genomes Project 0.00160; gnomAD 0.00160 and 0.00175; ESP Exome Variant Server 0.00169; TOPMed 0.00183; 1000 Genomes Project 30x 0.00203.

Submissions (5):

CeGaT Center for Human Genetics Tuebingen
Classification: Likely benign. Last evaluated: 2026-05-01. Review status: criteria provided, single submitter. Criteria: CeGaT Center For Human Genetics Tuebingen Variant Classification Criteria Version 2. Collection method: clinical testing. Allele origin: germline. Affected: yes. Observed: 2 variant alleles.
Comment: HOXA1: BP4, BP7

Blueprint Genetics
Classification: Likely benign. Last evaluated: 2024-10-22. Review status: criteria provided, single submitter. Criteria: ACMG Guidelines, 2015. Collection method: clinical testing. Allele origin: germline.

Ambry Genetics
Classification: Benign for Inborn genetic diseases. Last evaluated: 2019-05-09. Review status: criteria provided, single submitter. Criteria: Ambry Variant Classification Scheme 2023. Collection method: clinical testing. Allele origin: germline.

Labcorp Genetics (formerly Invitae), Labcorp
Classification: Benign. Last evaluated: 2019-01-01. Review status: criteria provided, single submitter. Criteria: Invitae Variant Classification Sherloc (09022015). Collection method: clinical testing. Allele origin: germline.

Eurofins Ntd Llc (ga)
Classification: Uncertain significance. Last evaluated: 2016-05-31. Review status: criteria provided, single submitter. Criteria: EGL Classification Definitions 2015. Collection method: clinical testing. Allele origin: germline. Observed: 1 variant allele, 1 heterozygote.

NM_005522.5(HOXA1):c.684A>G (p.Gln228=)

Gene: HOXA1 (homeobox A1; minus strand). Cytogenetic location: 7p15.2.
Variant type: single nucleotide variant.
Coding change: c.684A>G on transcript NM_005522.5 (MANE Select); coding-DNA position 684, A replaced by G.
Protein change: p.Gln228=; no amino-acid change (glutamine 228 retained).
Molecular consequence: synonymous variant. On other transcripts: 3 prime UTR variant (1).
Genome position (GRCh38, 1-based): chr7:27,094,764, T>C on the plus strand (A>G on the coding strand, the complement: HOXA1 is on the minus strand). VCF-style: chr7-27094764-T-C. GRCh37 (hg19) VCF-style: chr7-27134383-T-C.
Other names: c.*67A>G (NM_153620.3).
Identifiers: ClinVar variation 287899 (VCV000287899.36), dbSNP rs34462126, ClinGen allele CA4195873.